The following is an entry in ClinVar:

NM_001330260.2(SCN8A):c.5198A>T (p.Lys1733Met)

Gene: SCN8A (sodium voltage-gated channel alpha subunit 8; plus strand). Cytogenetic location: 12q13.13.
Variant type: single nucleotide variant.
Coding change: c.5198A>T on transcript NM_001330260.2 (MANE Select); coding-DNA position 5198, A replaced by T.
Protein change: p.Lys1733Met; replaces lysine 1733 with methionine.
Molecular consequence: missense variant.
Genome position (GRCh38, 1-based): chr12:51,806,684, A>T. VCF-style: chr12-51806684-A-T. GRCh37 (hg19) VCF-style: chr12-52200468-A-T.
Other names: c.5075A>T, p.Lys1692Met (NM_001177984.3, NM_001369788.1); c.5198A>T, p.Lys1733Met (NM_014191.4); short protein forms K1692M, K1733M.
Identifiers: ClinVar variation 3392962 (VCV003392962.2).
Genomic context (GRCh38, chr12:51,806,684, plus strand): 5'-CCATCCTAAACCGCCCCCCTGACTGCAGCCTAGATAAGGAACACCCAGGGAGTGGCTTTA[A>T]GGGAGATTGTGGGAACCCCTCAGTGGGCATCTTCTTCTTTGTAAGCTACATCATCATCTC-3'
Protein context (NP_001317189.1, residues 1723-1743): LDKEHPGSGF[Lys1733Met]GDCGNPSVGI

ClinVar aggregate classification (germline): Uncertain significance (1 of 4 stars; one submission).

Submission:

GeneDx
Classification: Uncertain significance. Last evaluated: 2025-12-31. Review status: criteria provided, single submitter. Criteria: GeneDx Variant Classification Process June 2021. Collection method: clinical testing. Allele origin: germline.
Comment: Not observed at significant frequency in large population cohorts (gnomAD); In silico analysis supports that this missense variant has a deleterious effect on protein structure/function; Has not been previously published as pathogenic or benign to our knowledge; This substitution is predicted to be within the extracellular loop between the S5 and S6 transmembrane segments of the fourth homologous domain.